The following is an entry in ClinVar:

ClinVar aggregate classification (germline): Uncertain significance (1 of 4 stars; one submission).

Conditions:
Nephronophthisis. Also called: Juvenile Nephronophthisis. Identifiers: Orphanet 655, MedGen C0687120, MONDO:0019005, HP:0000090.

Submission:

Labcorp Genetics (formerly Invitae), Labcorp
Classification: Uncertain significance for Nephronophthisis. Last evaluated: 2020-10-10. Review status: criteria provided, single submitter. Criteria: Invitae Variant Classification Sherloc (09022015). Collection method: clinical testing. Allele origin: germline.
Comment: In summary, the available evidence is currently insufficient to determine the role of this variant in disease. Therefore, it has been classified as a Variant of Uncertain Significance. Algorithms developed to predict the effect of missense changes on protein structure and function are either unavailable or do not agree on the potential impact of this missense change (SIFT: "Deleterious"; PolyPhen-2: "Probably Damaging"; Align-GVGD: "Class C15"). This variant has not been reported in the literature in individuals with INVS-related conditions. This variant is not present in population databases (ExAC no frequency). This sequence change replaces asparagine with tyrosine at codon 498 of the INVS protein (p.Asn498Tyr). The asparagine residue is highly conserved and there is a large physicochemical difference between asparagine and tyrosine.

NM_014425.5(INVS):c.1492A>T (p.Asn498Tyr)

Gene: INVS (inversin; plus strand). Cytogenetic location: 9q31.1.
Variant type: single nucleotide variant.
Coding change: c.1492A>T on transcript NM_014425.5 (MANE Select); coding-DNA position 1492, A replaced by T.
Protein change: p.Asn498Tyr; replaces asparagine 498 with tyrosine.
Molecular consequence: missense variant. On other transcripts: non-coding transcript variant (1).
Genome position (GRCh38, 1-based): chr9:100,264,849, A>T. VCF-style: chr9-100264849-A-T. GRCh37 (hg19) VCF-style: chr9-103027131-A-T.
Other names: c.1204A>T, p.Asn402Tyr (NM_001318381.2); c.514A>T, p.Asn172Tyr (NM_001318382.2); short protein forms N172Y, N402Y, N498Y.
Identifiers: ClinVar variation 1023829 (VCV001023829.8), dbSNP rs1832737510, ClinGen allele CA374236471.